The following is an entry in ClinVar:

ClinVar aggregate classification (germline): Uncertain significance (1 of 4 stars; one submission).

Conditions:
Cranium bifidum occultum. Also called: Enlarged Parietal Foramina; CATLIN MARKS; CRANIUM BIFIDUM, HEREDITARY. Identifiers: MedGen C1868598, HP:0004423.

gnomAD v4.1: 1 of 1,555,288 alleles (0.000064%); no homozygotes.

Submission:

Labcorp Genetics (formerly Invitae), Labcorp
Classification: Uncertain significance for Cranium bifidum occultum. Last evaluated: 2023-03-18. Review status: criteria provided, single submitter. Criteria: Invitae Variant Classification Sherloc (09022015). Collection method: clinical testing. Allele origin: germline.
Comment: Advanced modeling of protein sequence and biophysical properties (such as structural, functional, and spatial information, amino acid conservation, physicochemical variation, residue mobility, and thermodynamic stability) performed at Invitae indicates that this missense variant is not expected to disrupt MSX2 protein function. This variant has not been reported in the literature in individuals affected with MSX2-related conditions. This variant is not present in population databases (gnomAD no frequency). This sequence change replaces serine, which is neutral and polar, with proline, which is neutral and non-polar, at codon 43 of the MSX2 protein (p.Ser43Pro). In summary, the available evidence is currently insufficient to determine the role of this variant in disease. Therefore, it has been classified as a Variant of Uncertain Significance.

NM_002449.5(MSX2):c.127T>C (p.Ser43Pro)

Gene: MSX2 (msh homeobox 2; plus strand). Cytogenetic location: 5q35.2.
Variant type: single nucleotide variant.
Coding change: c.127T>C on transcript NM_002449.5 (MANE Select); coding-DNA position 127, T replaced by C.
Protein change: p.Ser43Pro; replaces serine 43 with proline.
Molecular consequence: missense variant.
Genome position (GRCh38, 1-based): chr5:174,724,786, T>C. VCF-style: chr5-174724786-T-C. GRCh37 (hg19) VCF-style: chr5-174151789-T-C.
Other names: c.127T>C, p.Ser43Pro (NM_001363626.2); short protein forms S43P.
Identifiers: ClinVar variation 2898205 (VCV002898205.3), dbSNP rs2480591815, ClinGen allele CA362229172.
Genomic context (GRCh38, chr5:174,724,786, plus strand): 5'-GGACCAGGCCCGGGGCCTGGGGGCGCCGAGGGGGCCGCGGAGGAGCGCCGCGTCAAGGTC[T>C]CCAGCCTGCCCTTCAGCGTGGAGGCGCTCATGTCCGACAAGAAGCCGCCCAAGGAGGCGT-3'
Protein context (NP_002440.2, residues 33-53): GAAEERRVKV[Ser43Pro]SLPFSVEALM